The following is an entry in ClinVar:

NM_001966.4(EHHADH):c.905T>G (p.Val302Gly)

Gene: EHHADH (enoyl-CoA hydratase and 3-hydroxyacyl CoA dehydrogenase; minus strand). Cytogenetic location: 3q27.2.
Variant type: single nucleotide variant.
Coding change: c.905T>G on transcript NM_001966.4 (MANE Select); coding-DNA position 905, T replaced by G.
Protein change: p.Val302Gly; replaces valine 302 with glycine.
Molecular consequence: missense variant.
Genome position (GRCh38, 1-based): chr3:185,204,421, A>C on the plus strand (T>G on the coding strand, the complement: EHHADH is on the minus strand). VCF-style: chr3-185204421-A-C. GRCh37 (hg19) VCF-style: chr3-184922209-A-C.
Other names: c.617T>G, p.Val206Gly (NM_001166415.2); short protein forms V206G, V302G.
Identifiers: ClinVar variation 3356629 (VCV003356629.1).

ClinVar aggregate classification (germline): Uncertain significance (0 of 4 stars; one submission).

Conditions:
EHHADH-related disorder. Also called: EHHADH-related condition.

gnomAD v4.1: 25 of 1,600,634 alleles (0.0016%); highest among the groups gnomAD compares: Non-Finnish European, 0.002%; no homozygotes.

Submission:

PreventionGenetics, part of Exact Sciences
Classification: Uncertain significance for EHHADH-related condition. Last evaluated: 2024-08-08. Review status: no assertion criteria provided. Collection method: clinical testing. Allele origin: germline.
Comment: The EHHADH c.905T>G variant is predicted to result in the amino acid substitution p.Val302Gly. To our knowledge, this variant has not been reported in the literature. This variant is reported in 0.0028% of alleles in individuals of European (Non-Finnish) descent in gnomAD. At this time, the clinical significance of this variant is uncertain due to the absence of conclusive functional and genetic evidence.